The following is an entry in ClinVar:

ClinVar aggregate classification (germline): Benign. Review status: criteria provided, multiple submitters, no conflicts (2 of 4 stars). 3 submissions from 3 submitters: Benign (2). 1 of the submissions does not count toward it. Last evaluated 2017-08-08.

Conditions:
CELSR1-related disorder. Also called: CELSR1-related condition.

Allele frequency attached by ClinVar (database versions not stated): gnomAD exomes 0.00010 and 0.00032; ExAC 0.00030; 1000 Genomes Project 0.00100; ESP Exome Variant Server 0.00123; gnomAD 0.00132 and 0.00144; 1000 Genomes Project 30x 0.00141; TOPMed 0.00158.
gnomAD v4.1: 351 of 1,612,440 alleles (0.022%); highest among the groups gnomAD compares: African/African-American, 0.41%; 2 homozygotes.

Submissions (3):

Labcorp Genetics (formerly Invitae), Labcorp
Classification: Benign. Last evaluated: 2017-08-08. Review status: criteria provided, single submitter. Criteria: Invitae Variant Classification Sherloc (09022015). Collection method: clinical testing. Allele origin: germline.

Breakthrough Genomics
Classification: Benign. Review status: criteria provided, single submitter. Criteria: ACMG Guidelines, 2015. Collection method: not provided. Allele origin: germline. Inheritance: Autosomal dominant inheritance. Affected: yes.

PreventionGenetics, part of Exact Sciences
Classification: Likely benign for CELSR1-related condition. Last evaluated: 2022-07-28. Review status: no assertion criteria provided. Collection method: clinical testing. Allele origin: germline. Not counted in ClinVar's aggregate classification.
Comment: This variant is classified as likely benign based on ACMG/AMP sequence variant interpretation guidelines (Richards et al. 2015 PMID: 25741868, with internal and published modifications).

NM_001378328.1(CELSR1):c.1065G>A (p.Gln355=)

Gene: CELSR1 (cadherin EGF LAG seven-pass G-type receptor 1; minus strand). Cytogenetic location: 22q13.31.
Variant type: single nucleotide variant.
Coding change: c.1065G>A on transcript NM_001378328.1 (MANE Select); coding-DNA position 1065, G replaced by A.
Protein change: p.Gln355=; no amino-acid change (glutamine 355 retained).
Molecular consequence: synonymous variant.
Genome position (GRCh38, 1-based): chr22:46,536,106, C>T on the plus strand (G>A on the coding strand, the complement: CELSR1 is on the minus strand). VCF-style: chr22-46536106-C-T. GRCh37 (hg19) VCF-style: chr22-46932003-C-T.
Other names: c.1065G>A, p.Gln355= (NM_014246.4).
Identifiers: ClinVar variation 714843 (VCV000714843.6), dbSNP rs138032863, ClinGen allele CA10295568.
Genomic context (GRCh38, chr22:46,536,106, plus strand): 5'-GATGGTCAGCACCTCGTAGCCCACCTCCAGGTTCTCCCGCACGCGCTCGCGGTACTCCGA[C>T]TGCTCGAAGACCGGGCTGTGGTCGTTGGTGTCTTTGACCAAGACAGTGATGTAGGTGGTG-3'
Protein context (NP_001365257.1, residues 345-365): DTNDHSPVFE[Gln355=]SEYRERVREN